The following is an entry in ClinVar:

NM_012200.4(B3GAT3):c.909+279del

Gene: B3GAT3 (beta-1,3-glucuronyltransferase 3; minus strand). Cytogenetic location: 11q12.3.
Variant type: Deletion.
Coding change: c.909+279del on transcript NM_012200.4 (MANE Select); 279 bases into the intron after coding-DNA position 909, one base deleted (G; older notation c.909+279delG).
Molecular consequence: intron variant. On other transcripts: frameshift variant (2).
Genome position (GRCh38, 1-based): chr11:62,616,227, C deleted on the plus strand (G on the coding strand, the reverse complement: B3GAT3 is on the minus strand). VCF-style (leftmost placement, unchanged base first): chr11-62616226-AC-A. GRCh37 (hg19) VCF-style: chr11-62383698-AC-A.
Other names: c.919del, p.Val307fs (NM_001288722.2); c.923del, p.Cys308fs (NM_001288723.2); c.888+279del (NM_001288721.2); short protein forms C308fs, V307fs.
Identifiers: ClinVar variation 3770952 (VCV003770952.13).
Genomic context (GRCh38, chr11:62,616,226, plus strand): 5'-CCCGGGAGGCGGAGCTTGCGCTAAGCCAAGATTGCGCTACTGCACTCCAGCCTGGGTGAC[AC>A]AGCGAGACTCTGTCTGAAAAAAAAAAAAAAACAACAAACAGGGCCTTATTCCTTCATCCT-3'

ClinVar aggregate classification (germline): Likely benign (1 of 4 stars; one submission).

Submission:

CeGaT Center for Human Genetics Tuebingen
Classification: Likely benign. Last evaluated: 2025-10-01. Review status: criteria provided, single submitter. Criteria: CeGaT Center For Human Genetics Tuebingen Variant Classification Criteria Version 2. Collection method: clinical testing. Allele origin: germline. Affected: yes. Observed: 2 variant alleles.
Comment: B3GAT3: BS2